The following is an entry in ClinVar:

GRCh37/hg19 5q34(chr5:160796703-160797020)

Gene: GABRB2 (gamma-aminobutyric acid type A receptor subunit beta2; minus strand). Cytogenetic location: 5q34.
Variant type: copy number gain.
Identifiers: ClinVar variation 916013 (VCV000916013.2).

ClinVar aggregate classification (germline): risk factor (0 of 4 stars; one submission).

Conditions:
Schizophrenia (SCZD). Identifiers: MedGen C0036341, MeSH D012559, MONDO:0005090, OMIM 181500, HP:0100753.

Submission:

Applied Genomics Center, Hong Kong University of Science and Technology
Classification: risk factor for Schizophrenia. Last evaluated: 2019-11-01. Review status: no assertion criteria provided. Collection method: case-control. Allele origin: inherited. Affected: no and yes. Observed: 138 variant alleles.
Comment: This variant is a risk factor for Chinese and for Caucasian females and is Likely benign for Caucasian males.